The following is an entry in ClinVar:

ClinVar aggregate classification (germline): Uncertain significance (1 of 4 stars; one submission).

Conditions:
Noonan syndrome 3 (NS3). Also called: KRAS-Related Noonan Syndrome. Identifiers: Orphanet 648, MedGen C1860991, MONDO:0012371, OMIM 609942.

Submission:

Baylor Genetics
Classification: Uncertain significance for Noonan syndrome 3. Last evaluated: 2019-08-17. Review status: criteria provided, single submitter. Criteria: ACMG Guidelines, 2015. Collection method: clinical testing. Allele origin: unknown. Affected: yes.
Comment: This variant was determined to be of uncertain significance according to ACMG Guidelines, 2015 [PMID:25741868].

NM_007373.4(SHOC2):c.1159A>G (p.Lys387Glu)

Gene: SHOC2 (SHOC2 leucine rich repeat scaffold protein; plus strand). Cytogenetic location: 10q25.2.
Variant type: single nucleotide variant.
Coding change: c.1159A>G on transcript NM_007373.4 (MANE Select); coding-DNA position 1159, A replaced by G.
Protein change: p.Lys387Glu; replaces lysine 387 with glutamic acid.
Molecular consequence: missense variant. On other transcripts: non-coding transcript variant (1).
Genome position (GRCh38, 1-based): chr10:111,004,792, A>G. VCF-style: chr10-111004792-A-G. GRCh37 (hg19) VCF-style: chr10-112764550-A-G.
Other names: c.1021A>G, p.Lys341Glu (NM_001269039.3); c.1159A>G, p.Lys387Glu (NM_001324336.2, NM_001324337.2); short protein forms K341E, K387E.
Identifiers: ClinVar variation 1030212 (VCV001030212.1), dbSNP rs1848438761, ClinGen allele CA378523279.